The following is an entry in ClinVar:

ClinVar aggregate classification (germline): Uncertain significance (1 of 4 stars; one submission).

Conditions:
Neuronal ceroid lipofuscinosis. Also called: Neuronal Ceroid Lipofuscinoses. Identifiers: Orphanet 216, Orphanet 79263, MedGen C0027877, MONDO:0016295. Disease mechanism: loss of function.

Allele frequency attached by ClinVar (database versions not stated): gnomAD exomes below 0.00001; gnomAD 0.00001.
gnomAD v4.1: 3 of 1,613,980 alleles (0.00019%); highest among the groups gnomAD compares: African/African-American, 0.004%; no homozygotes.

Submission:

Labcorp Genetics (formerly Invitae), Labcorp
Classification: Uncertain significance for Neuronal ceroid lipofuscinosis. Last evaluated: 2021-10-07. Review status: criteria provided, single submitter. Criteria: Invitae Variant Classification Sherloc (09022015). Collection method: clinical testing. Allele origin: germline.
Comment: This sequence change replaces phenylalanine with serine at codon 14 of the CLN8 protein (p.Phe14Ser). The phenylalanine residue is highly conserved and there is a large physicochemical difference between phenylalanine and serine. This variant is not present in population databases (ExAC no frequency). This variant has not been reported in the literature in individuals affected with CLN8-related conditions. Advanced modeling of protein sequence and biophysical properties (such as structural, functional, and spatial information, amino acid conservation, physicochemical variation, residue mobility, and thermodynamic stability) performed at Invitae indicates that this missense variant is expected to disrupt CLN8 protein function. In summary, the available evidence is currently insufficient to determine the role of this variant in disease. Therefore, it has been classified as a Variant of Uncertain Significance.

NM_018941.4(CLN8):c.41T>C (p.Phe14Ser)

Gene: CLN8 (CLN8 transmembrane ER and ERGIC protein; plus strand). Cytogenetic location: 8p23.3.
Variant type: single nucleotide variant.
Coding change: c.41T>C on transcript NM_018941.4 (MANE Select); coding-DNA position 41, T replaced by C.
Protein change: p.Phe14Ser; replaces phenylalanine 14 with serine.
Molecular consequence: missense variant.
Genome position (GRCh38, 1-based): chr8:1,771,095, T>C. VCF-style: chr8-1771095-T-C. GRCh37 (hg19) VCF-style: chr8-1719261-T-C.
Other names: short protein forms F14S.
Identifiers: ClinVar variation 1385086 (VCV001385086.6), dbSNP rs957551479, ClinGen allele CA170445591.